The following is an entry in ClinVar:

ClinVar aggregate classification (germline): Uncertain significance (1 of 4 stars; one submission).

gnomAD v4.1: 2 of 1,593,036 alleles (0.00013%); highest among the groups gnomAD compares: African/African-American, 0.0013%; no homozygotes.

Submission:

Labcorp Genetics (formerly Invitae), Labcorp
Classification: Uncertain significance. Last evaluated: 2025-01-08. Review status: criteria provided, single submitter. Criteria: Invitae Variant Classification Sherloc (09022015). Collection method: clinical testing. Allele origin: germline.
Comment: This sequence change replaces alanine, which is neutral and non-polar, with valine, which is neutral and non-polar, at codon 604 of the DUOX2 protein (p.Ala604Val). This variant is present in population databases (no rsID available, gnomAD 0.005%). This variant has not been reported in the literature in individuals affected with DUOX2-related conditions. Invitae Evidence Modeling of protein sequence and biophysical properties (such as structural, functional, and spatial information, amino acid conservation, physicochemical variation, residue mobility, and thermodynamic stability) indicates that this missense variant is not expected to disrupt DUOX2 protein function with a negative predictive value of 80%. In summary, the available evidence is currently insufficient to determine the role of this variant in disease. Therefore, it has been classified as a Variant of Uncertain Significance.

NM_001363711.2(DUOX2):c.1811C>T (p.Ala604Val)

Gene: DUOX2 (dual oxidase 2; minus strand). Cytogenetic location: 15q21.1.
Variant type: single nucleotide variant.
Coding change: c.1811C>T on transcript NM_001363711.2 (MANE Select); coding-DNA position 1811, C replaced by T.
Protein change: p.Ala604Val; replaces alanine 604 with valine.
Molecular consequence: missense variant.
Genome position (GRCh38, 1-based): chr15:45,106,852, G>A on the plus strand (C>T on the coding strand, the complement: DUOX2 is on the minus strand). VCF-style: chr15-45106852-G-A. GRCh37 (hg19) VCF-style: chr15-45399050-G-A.
Other names: c.1811C>T, p.Ala604Val (NM_014080.5); short protein forms A604V.
Identifiers: ClinVar variation 3624825 (VCV003624825.2).